The following is an entry in ClinVar:

NM_017934.7(PHIP):c.4253_4255del (p.Ile1418del)

Genes: IRAK1BP1 (interleukin 1 receptor associated kinase 1 binding protein 1; plus strand), PHIP (PHIP subunit of CUL4-Ring ligase complex; minus strand). Cytogenetic location: 6q14.1.
Variant type: Deletion.
Coding change: c.4253_4255del on transcript NM_017934.7 (MANE Select); coding-DNA positions 4253 to 4255, 3 bases deleted (TTA; older notation c.4253_4255delTTA).
Protein change: p.Ile1418del; deletes isoleucine 1418.
Molecular consequence: inframe deletion.
Genome position (GRCh38, 1-based): chr6:78,946,826-78,946,828, TAA deleted on the plus strand (TTA on the coding strand, the reverse complement: PHIP is on the minus strand); deleting any 3 consecutive bases within chr6:78,946,826-78,946,829 gives the same sequence; the c. name uses the placement nearest the transcript's 3' end. VCF-style (leftmost placement, unchanged base first): chr6-78946825-CTAA-C. GRCh37 (hg19) VCF-style: chr6-79656542-CTAA-C.
Other names: short protein forms I1418del.
Identifiers: ClinVar variation 2015827 (VCV002015827.4), dbSNP rs2481798241, ClinGen allele CA2580075865.

ClinVar aggregate classification (germline): Uncertain significance (1 of 4 stars; one submission).

Submission:

Labcorp Genetics (formerly Invitae), Labcorp
Classification: Uncertain significance. Last evaluated: 2022-07-10. Review status: criteria provided, single submitter. Criteria: Invitae Variant Classification Sherloc (09022015). Collection method: clinical testing. Allele origin: germline.
Comment: In summary, the available evidence is currently insufficient to determine the role of this variant in disease. Therefore, it has been classified as a Variant of Uncertain Significance. Experimental studies and prediction algorithms are not available or were not evaluated, and the functional significance of this variant is currently unknown. This variant has not been reported in the literature in individuals affected with PHIP-related conditions. This variant is not present in population databases (gnomAD no frequency). This variant, c.4253_4255del, results in the deletion of 1 amino acid(s) of the PHIP protein (p.Ile1418del), but otherwise preserves the integrity of the reading frame.